The following is an entry in ClinVar:

NM_201384.3(PLEC):c.4402C>T (p.Arg1468Cys)

Gene: PLEC (plectin; minus strand). Cytogenetic location: 8q24.3.
Variant type: single nucleotide variant.
Coding change: c.4402C>T on transcript NM_201384.3 (MANE Select); coding-DNA position 4402, C replaced by T.
Protein change: p.Arg1468Cys; replaces arginine 1468 with cysteine.
Molecular consequence: missense variant.
Genome position (GRCh38, 1-based): chr8:143,925,527, G>A on the plus strand (C>T on the coding strand, the complement: PLEC is on the minus strand). VCF-style: chr8-143925527-G-A. GRCh37 (hg19) VCF-style: chr8-144999695-G-A.
Other names: c.4483C>T, p.Arg1495Cys (NM_000445.5); c.4360C>T, p.Arg1454Cys (NM_201378.4); c.4336C>T, p.Arg1446Cys (NM_201379.3); c.4813C>T, p.Arg1605Cys (NM_201380.4); c.4306C>T, p.Arg1436Cys (NM_201381.3); c.4402C>T, p.Arg1468Cys (NM_201382.4); c.4414C>T, p.Arg1472Cys (NM_201383.3); short protein forms R1446C, R1468C, R1472C, R1436C, R1605C, R1454C, R1495C.
Identifiers: ClinVar variation 576819 (VCV000576819.5), dbSNP rs1210256536, ClinGen allele CA372557293.

ClinVar aggregate classification (germline): Uncertain significance. Review status: criteria provided, multiple submitters, no conflicts (2 of 4 stars). 2 submissions from 2 submitters: Uncertain significance (2). Last evaluated 2026-05-08.

Conditions:
PLEC-related disorder. Also called: PLEC-related disorders; PLEC-related condition.
Epidermolysis bullosa simplex 5C, with pyloric atresia (EBS5C). Also called: PLEC-Related Epidermolysis Bullosa with Pyloric Atresia; PLEC1-Related Epidermolysis Bullosa with Pyloric Atresia; Epidermolysis bullosa simplex with pyloric atresia. Identifiers: Orphanet 158684, MedGen C2677349, MONDO:0012807, OMIM 612138.
Epidermolysis bullosa simplex, Ogna type (EBS5A). Also called: Pidermolysis bullosa simplex 5A, Ogna type; EPIDERMOLYSIS BULLOSA SIMPLEX 5A, OGNA TYPE. Identifiers: Orphanet 79401, MedGen C0432317, MONDO:0007555, OMIM 131950.
Epidermolysis bullosa simplex 5B, with muscular dystrophy (EBS5B). Also called: Epidermolysis bullosa simplex with muscular dystrophy; EPIDERMOLYSIS BULLOSA SIMPLEX AND LIMB-GIRDLE MUSCULAR DYSTROPHY. Identifiers: Orphanet 257, MedGen C2931072, MONDO:0009181, OMIM 226670.
Epidermolysis bullosa simplex with nail dystrophy (EBS5D). Identifiers: MedGen C4225309, MONDO:0014661, OMIM 616487.
Autosomal recessive limb-girdle muscular dystrophy type 2Q (LGMDR17). Also called: MUSCULAR DYSTROPHY, LIMB-GIRDLE, AUTOSOMAL RECESSIVE 17. Identifiers: Orphanet 254361, MedGen C3150989, MONDO:0013390, OMIM 613723.

Allele frequency attached by ClinVar (database versions not stated): gnomAD 0.00001; gnomAD exomes 0.00001; TOPMed 0.00001.
gnomAD v4.1: 18 of 1,595,106 alleles (0.0011%); highest among the groups gnomAD compares: East Asian, 0.0045%; no homozygotes.

Submissions (2):

PreventionGenetics, part of Exact Sciences
Classification: Uncertain significance for PLEC-related condition. Last evaluated: 2026-05-08. Review status: criteria provided, single submitter. Criteria: ACMG Guidelines, 2015. Collection method: clinical testing. Allele origin: germline.
Comment: The PLEC c.4483C>T variant is predicted to result in the amino acid substitution p.Arg1495Cys. To our knowledge, this variant has not been reported in the literature or in a large population database (gnomAD), indicating this variant is rare. At this time, the clinical significance of this variant is uncertain due to the absence of conclusive functional and genetic evidence.

Labcorp Genetics (formerly Invitae), Labcorp
Classification: Uncertain significance for Autosomal recessive limb-girdle muscular dystrophy type 2Q; Epidermolysis bullosa simplex, Ogna type; Epidermolysis bullosa simplex with nail dystrophy; Epidermolysis bullosa simplex 5C, with pyloric atresia; Epidermolysis bullosa simplex 5B, with muscular dystrophy. Last evaluated: 2023-10-30. Review status: criteria provided, single submitter. Criteria: Invitae Variant Classification Sherloc (09022015). Collection method: clinical testing. Allele origin: germline.
Comment: This sequence change replaces arginine, which is basic and polar, with cysteine, which is neutral and slightly polar, at codon 1495 of the PLEC protein (p.Arg1495Cys). This variant is present in population databases (no rsID available, gnomAD 0.007%). This variant has not been reported in the literature in individuals affected with PLEC-related conditions. ClinVar contains an entry for this variant (Variation ID: 576819). Experimental studies and prediction algorithms are not available or were not evaluated, and the functional significance of this variant is currently unknown. In summary, the available evidence is currently insufficient to determine the role of this variant in disease. Therefore, it has been classified as a Variant of Uncertain Significance.